The following is an entry in ClinVar:

ClinVar aggregate classification (germline): Uncertain significance (1 of 4 stars; one submission).

Allele frequency attached by ClinVar (database versions not stated): ExAC 0.00003; ESP Exome Variant Server 0.00008; TOPMed 0.00010; gnomAD 0.00011.
gnomAD v4.1: 72 of 1,613,794 alleles (0.0045%); highest among the groups gnomAD compares: African/African-American, 0.021%; no homozygotes.

Submission:

Labcorp Genetics (formerly Invitae), Labcorp
Classification: Uncertain significance. Last evaluated: 2022-04-07. Review status: criteria provided, single submitter. Criteria: Invitae Variant Classification Sherloc (09022015). Collection method: clinical testing. Allele origin: germline.
Comment: This sequence change replaces valine, which is neutral and non-polar, with methionine, which is neutral and non-polar, at codon 4461 of the DNAH9 protein (p.Val4461Met). This variant is present in population databases (rs374555272, gnomAD 0.008%). This variant has not been reported in the literature in individuals affected with DNAH9-related conditions. Algorithms developed to predict the effect of missense changes on protein structure and function are either unavailable or do not agree on the potential impact of this missense change (SIFT: "Deleterious"; PolyPhen-2: "Probably Damaging"; Align-GVGD: "Class C0"). In summary, the available evidence is currently insufficient to determine the role of this variant in disease. Therefore, it has been classified as a Variant of Uncertain Significance.

NM_001372.4(DNAH9):c.13381G>A (p.Val4461Met)

Gene: DNAH9 (dynein axonemal heavy chain 9; plus strand). Cytogenetic location: 17p12.
Variant type: single nucleotide variant.
Coding change: c.13381G>A on transcript NM_001372.4 (MANE Select); coding-DNA position 13381, G replaced by A.
Protein change: p.Val4461Met; replaces valine 4461 with methionine.
Molecular consequence: missense variant.
Genome position (GRCh38, 1-based): chr17:11,969,447, G>A. VCF-style: chr17-11969447-G-A. GRCh37 (hg19) VCF-style: chr17-11872764-G-A.
Other names: c.2317G>A, p.Val773Met (NM_004662.2); short protein forms V4461M, V773M.
Identifiers: ClinVar variation 2179625 (VCV002179625.1), dbSNP rs374555272, ClinGen allele CA8398418.